The following is an entry in ClinVar:

ClinVar aggregate classification (germline): Likely benign. Review status: criteria provided, multiple submitters, no conflicts (2 of 4 stars). 3 submissions from 3 submitters: Likely benign (3). Last evaluated 2025-01-13.

Conditions:
Ataxia-telangiectasia-like disorder (ATLD). Identifiers: MedGen C1858391, MONDO:0011457.
Hereditary cancer-predisposing syndrome. Also called: Tumor predisposition; Neoplastic Syndromes, Hereditary; Hereditary Cancer Syndrome; Hereditary neoplastic syndrome. Identifiers: Orphanet 140162, MedGen C0027672, MeSH D009386, MONDO:0015356.

Allele frequency attached by ClinVar (database versions not stated): gnomAD 0.00001; TOPMed 0.00003; gnomAD exomes 0.00001 and 0.00002; ExAC 0.00002.
gnomAD v4.1: 27 of 1,613,606 alleles (0.0017%); highest among the groups gnomAD compares: Non-Finnish European, 0.0022%; no homozygotes.

Submissions (3):

Labcorp Genetics (formerly Invitae), Labcorp
Classification: Likely benign for Ataxia-telangiectasia-like disorder. Last evaluated: 2025-01-13. Review status: criteria provided, single submitter. Criteria: Invitae Variant Classification Sherloc (09022015). Collection method: clinical testing. Allele origin: germline.

CeGaT Center for Human Genetics Tuebingen
Classification: Likely benign. Last evaluated: 2024-07-01. Review status: criteria provided, single submitter. Criteria: CeGaT Center For Human Genetics Tuebingen Variant Classification Criteria Version 2. Collection method: clinical testing. Allele origin: germline. Affected: yes. Observed: 2 variant alleles.
Comment: MRE11: BP4, BP7

Ambry Genetics
Classification: Likely benign for Hereditary cancer-predisposing syndrome. Last evaluated: 2014-09-10. Review status: criteria provided, single submitter. Criteria: Ambry Variant Classification Scheme 2023. Collection method: clinical testing. Allele origin: germline.

NM_005591.4(MRE11):c.1203T>C (p.His401=)

Gene: MRE11 (MRE11 double strand break repair nuclease; minus strand). Cytogenetic location: 11q21.
Variant type: single nucleotide variant.
Coding change: c.1203T>C on transcript NM_005591.4 (MANE Select); coding-DNA position 1203, T replaced by C.
Protein change: p.His401=; no amino-acid change (histidine 401 retained).
Molecular consequence: synonymous variant.
Genome position (GRCh38, 1-based): chr11:94,464,135, A>G on the plus strand (T>C on the coding strand, the complement: MRE11 is on the minus strand). VCF-style: chr11-94464135-A-G. GRCh37 (hg19) VCF-style: chr11-94197301-A-G.
Other names: c.1203T>C, p.His401= (NM_001330347.2, NM_005590.4).
Identifiers: ClinVar variation 186168 (VCV000186168.34), dbSNP rs747556655, ClinGen allele CA194046.